The following is an entry in ClinVar:

NM_198271.5(LMOD3):c.272C>T (p.Pro91Leu)

Genes: LMOD3 (leiomodin 3; minus strand), LOC126806710 (CDK7 strongly-dependent group 2 enhancer GRCh37_chr3:69170601-69171800; plus strand). Cytogenetic location: 3p14.1.
Variant type: single nucleotide variant.
Coding change: c.272C>T on transcript NM_198271.5 (MANE Select); coding-DNA position 272, C replaced by T.
Protein change: p.Pro91Leu; replaces proline 91 with leucine.
Molecular consequence: missense variant.
Genome position (GRCh38, 1-based): chr3:69,122,115, G>A on the plus strand (C>T on the coding strand, the complement: LMOD3 is on the minus strand). VCF-style: chr3-69122115-G-A. GRCh37 (hg19) VCF-style: chr3-69171266-G-A.
Other names: c.272C>T, p.Pro91Leu (NM_001304418.3); short protein forms P91L.
Identifiers: ClinVar variation 2172668 (VCV002172668.4), dbSNP rs747620098, ClinGen allele CA2489039.
Genomic context (GRCh38, chr3:69,122,115, plus strand): 5'-GGCAGCCATTTCTCGGTTGTACACAAATCTCTGGTTACCTCGGATTTCACAAAGGTGACA[G>A]GAACTCGTTCCTCTTCCAGCATGCGCCTGGATGCCTTTTCCCAATACATATAATCAACAA-3'
Protein context (NP_938012.2, residues 81-101): SRRMLEEERV[Pro91Leu]VTFVKSEEKT

ClinVar aggregate classification (germline): Uncertain significance (1 of 4 stars; one submission).

Conditions:
Nemaline myopathy 10 (NEM10). Identifiers: MedGen C4015360, MONDO:0014513, OMIM 616165.

Allele frequency attached by ClinVar (database versions not stated): ExAC 0.00001; gnomAD exomes 0.00001.

Submission:

Labcorp Genetics (formerly Invitae), Labcorp
Classification: Uncertain significance for Nemaline myopathy 10. Last evaluated: 2025-06-20. Review status: criteria provided, single submitter. Criteria: Invitae Variant Classification Sherloc (09022015). Collection method: clinical testing. Allele origin: germline.
Comment: This sequence change replaces proline, which is neutral and non-polar, with leucine, which is neutral and non-polar, at codon 91 of the LMOD3 protein (p.Pro91Leu). The frequency data for this variant in the population databases is considered unreliable, as metrics indicate poor data quality at this position in the gnomAD database. This variant has not been reported in the literature in individuals affected with LMOD3-related conditions. ClinVar contains an entry for this variant (Variation ID: 2172668). An algorithm developed to predict the effect of missense changes on protein structure and function (PolyPhen-2) suggests that this variant is likely to be disruptive. In summary, the available evidence is currently insufficient to determine the role of this variant in disease. Therefore, it has been classified as a Variant of Uncertain Significance.